The following is an entry in ClinVar:

NM_198271.5(LMOD3):c.52A>G (p.Ile18Val)

Genes: LMOD3 (leiomodin 3; minus strand), LOC126806710 (CDK7 strongly-dependent group 2 enhancer GRCh37_chr3:69170601-69171800; plus strand). Cytogenetic location: 3p14.1.
Variant type: single nucleotide variant.
Coding change: c.52A>G on transcript NM_198271.5 (MANE Select); coding-DNA position 52, A replaced by G.
Protein change: p.Ile18Val; replaces isoleucine 18 with valine.
Molecular consequence: missense variant.
Genome position (GRCh38, 1-based): chr3:69,122,335, T>C on the plus strand (A>G on the coding strand, the complement: LMOD3 is on the minus strand). VCF-style: chr3-69122335-T-C. GRCh37 (hg19) VCF-style: chr3-69171486-T-C.
Other names: c.52A>G, p.Ile18Val (NM_001304418.3); short protein forms I18V.
Identifiers: ClinVar variation 863058 (VCV000863058.7), dbSNP rs1165265351, ClinGen allele CA2489088.

ClinVar aggregate classification (germline): Uncertain significance (1 of 4 stars; one submission).

Conditions:
Nemaline myopathy 10 (NEM10). Identifiers: MedGen C4015360, MONDO:0014513, OMIM 616165.

Allele frequency attached by ClinVar (database versions not stated): gnomAD exomes below 0.00001; ExAC 0.00001; gnomAD 0.00001.
gnomAD v4.1: 9 of 1,612,746 alleles (0.00056%); highest among the groups gnomAD compares: South Asian, 0.0088%; no homozygotes.

Submission:

Labcorp Genetics (formerly Invitae), Labcorp
Classification: Uncertain significance for Nemaline myopathy 10. Last evaluated: 2019-04-25. Review status: criteria provided, single submitter. Criteria: Invitae Variant Classification Sherloc (09022015). Collection method: clinical testing. Allele origin: germline.
Comment: Algorithms developed to predict the effect of sequence changes on RNA splicing suggest that this variant may create or strengthen a splice site, but this prediction has not been confirmed by published transcriptional studies. This sequence change replaces isoleucine with valine at codon 18 of the LMOD3 protein (p.Ile18Val). The isoleucine residue is moderately conserved and there is a small physicochemical difference between isoleucine and valine. The frequency data for this variant in the population databases is considered unreliable, as metrics indicate poor data quality at this position in the ExAC database. This variant has not been reported in the literature in individuals with LMOD3-related conditions. Algorithms developed to predict the effect of missense changes on protein structure and function (SIFT, PolyPhen-2, Align-GVGD) all suggest that this variant is likely to be tolerated, but these predictions have not been confirmed by published functional studies and their clinical significance is uncertain. In summary, the available evidence is currently insufficient to determine the role of this variant in disease. Therefore, it has been classified as a Variant of Uncertain Significance.